The following is an entry in ClinVar:

NM_016604.4(KDM3B):c.3397T>C (p.Ser1133Pro)

Gene: KDM3B (lysine demethylase 3B; plus strand). Cytogenetic location: 5q31.2.
Variant type: single nucleotide variant.
Coding change: c.3397T>C on transcript NM_016604.4 (MANE Select); coding-DNA position 3397, T replaced by C.
Protein change: p.Ser1133Pro; replaces serine 1133 with proline.
Molecular consequence: missense variant.
Genome position (GRCh38, 1-based): chr5:138,417,572, T>C. VCF-style: chr5-138417572-T-C. GRCh37 (hg19) VCF-style: chr5-137753261-T-C.
Other names: short protein forms S1133P.
Identifiers: ClinVar variation 3361160 (VCV003361160.1).

ClinVar aggregate classification (germline): Uncertain significance (1 of 4 stars; one submission).

gnomAD v4.1: 3 of 1,614,032 alleles (0.00019%); highest among the groups gnomAD compares: Non-Finnish European, 0.00025%; no homozygotes.

Submission:

GeneDx
Classification: Uncertain significance. Last evaluated: 2023-07-16. Review status: criteria provided, single submitter. Criteria: GeneDx Variant Classification Process June 2021. Collection method: clinical testing. Allele origin: germline. Affected: yes.
Comment: Not observed at significant frequency in large population cohorts (gnomAD); In silico analysis supports that this missense variant does not alter protein structure/function; Has not been previously published as pathogenic or benign to our knowledge